The following is an entry in ClinVar:

NM_001378454.1(ALMS1):c.6706C>T (p.Pro2236Ser)

Gene: ALMS1 (ALMS1 centrosome and basal body associated protein; plus strand). Cytogenetic location: 2p13.1.
Variant type: single nucleotide variant.
Coding change: c.6706C>T on transcript NM_001378454.1 (MANE Select); coding-DNA position 6706, C replaced by T.
Protein change: p.Pro2236Ser; replaces proline 2236 with serine.
Molecular consequence: missense variant.
Genome position (GRCh38, 1-based): chr2:73,453,233, C>T. VCF-style: chr2-73453233-C-T. GRCh37 (hg19) VCF-style: chr2-73680360-C-T.
Other names: c.6709C>T, p.Pro2237Ser (NM_015120.4); short protein forms P2237S, P2236S.
Identifiers: ClinVar variation 1450731 (VCV001450731.5), dbSNP rs200724860, ClinGen allele CA347289090.
Genomic context (GRCh38, chr2:73,453,233, plus strand): 5'-GTTAGCTCAAATAATGTGCTTTTAAATTCTCAGGCTGATGACAGAGTTGTAATAAATAAA[C>T]CAGAATCTGCAGGTTTTAGAGATGTTGGCTCTGAAGAAATCCAGGATGCAGAAAATAGTG-3'
Protein context (NP_001365383.1, residues 2226-2246): QADDRVVINK[Pro2236Ser]ESAGFRDVGS

ClinVar aggregate classification (germline): Uncertain significance (1 of 4 stars; one submission).

Conditions:
Alstrom syndrome (ALMS). Identifiers: Orphanet 64, MedGen C0268425, MONDO:0008763, OMIM 203800.

gnomAD v4.1: 1 of 1,613,862 alleles (0.000062%); highest among the groups gnomAD compares: Non-Finnish European, 0.000085%; no homozygotes.

Submission:

Labcorp Genetics (formerly Invitae), Labcorp
Classification: Uncertain significance for Alstrom syndrome. Last evaluated: 2024-01-29. Review status: criteria provided, single submitter. Criteria: Invitae Variant Classification Sherloc (09022015). Collection method: clinical testing. Allele origin: germline.
Comment: This sequence change replaces proline, which is neutral and non-polar, with serine, which is neutral and polar, at codon 2237 of the ALMS1 protein (p.Pro2237Ser). This variant is not present in population databases (gnomAD no frequency). This variant has not been reported in the literature in individuals affected with ALMS1-related conditions. ClinVar contains an entry for this variant (Variation ID: 1450731). Experimental studies and prediction algorithms are not available or were not evaluated, and the functional significance of this variant is currently unknown. In summary, the available evidence is currently insufficient to determine the role of this variant in disease. Therefore, it has been classified as a Variant of Uncertain Significance.